The following is an entry in ClinVar:

ClinVar aggregate classification (germline): Uncertain significance (1 of 4 stars; one submission).

Conditions:
Developmental and epileptic encephalopathy 94 (DEE94). Also called: CHD2-Related Neurodevelopmental Disorders; Epileptic encephalopathy, childhood-onset. Identifiers: Orphanet 1942, Orphanet 2382, MedGen C3809278, MONDO:0014150, OMIM 615369.

Submission:

Labcorp Genetics (formerly Invitae), Labcorp
Classification: Uncertain significance for Developmental and epileptic encephalopathy 94. Last evaluated: 2023-04-10. Review status: criteria provided, single submitter. Criteria: Invitae Variant Classification Sherloc (09022015). Collection method: clinical testing. Allele origin: germline.
Comment: This variant has not been reported in the literature in individuals affected with CHD2-related conditions. In summary, the available evidence is currently insufficient to determine the role of this variant in disease. Therefore, it has been classified as a Variant of Uncertain Significance. Advanced modeling of protein sequence and biophysical properties (such as structural, functional, and spatial information, amino acid conservation, physicochemical variation, residue mobility, and thermodynamic stability) performed at Invitae indicates that this missense variant is not expected to disrupt CHD2 protein function. This variant is not present in population databases (gnomAD no frequency). This sequence change replaces glutamic acid, which is acidic and polar, with lysine, which is basic and polar, at codon 1374 of the CHD2 protein (p.Glu1374Lys).

NM_001271.4(CHD2):c.4120G>A (p.Glu1374Lys)

Gene: CHD2 (chromodomain helicase DNA binding protein 2; plus strand). Cytogenetic location: 15q26.1.
Variant type: single nucleotide variant.
Coding change: c.4120G>A on transcript NM_001271.4 (MANE Select); coding-DNA position 4120, G replaced by A.
Protein change: p.Glu1374Lys; replaces glutamic acid 1374 with lysine.
Molecular consequence: missense variant.
Genome position (GRCh38, 1-based): chr15:93,000,623, G>A. VCF-style: chr15-93000623-G-A. GRCh37 (hg19) VCF-style: chr15-93543853-G-A.
Other names: short protein forms E1374K.
Identifiers: ClinVar variation 2838860 (VCV002838860.3), dbSNP rs2505599494, ClinGen allele CA393900532.